The following is an entry in ClinVar:

ClinVar aggregate classification (germline): Uncertain significance (1 of 4 stars; one submission).

Submission:

Labcorp Genetics (formerly Invitae), Labcorp
Classification: Uncertain significance. Last evaluated: 2022-12-26. Review status: criteria provided, single submitter. Criteria: Invitae Variant Classification Sherloc (09022015). Collection method: clinical testing. Allele origin: germline.
Comment: In summary, the available evidence is currently insufficient to determine the role of this variant in disease. Therefore, it has been classified as a Variant of Uncertain Significance. This sequence change creates a premature translational stop signal (p.Ala75Profs*8) in the SULF1 gene. It is expected to result in an absent or disrupted protein product. However, the current clinical and genetic evidence is not sufficient to establish whether loss-of-function variants in SULF1 cause disease. The frequency data for this variant in the population databases is considered unreliable, as metrics indicate poor data quality at this position in the gnomAD database. This variant has not been reported in the literature in individuals affected with SULF1-related conditions.

NM_001128205.2(SULF1):c.223del (p.Ala75fs)

Gene: SULF1 (sulfatase 1; plus strand). Cytogenetic location: 8q13.2.
Variant type: Deletion.
Coding change: c.223del on transcript NM_001128205.2 (MANE Select); coding-DNA position 223, one base deleted (G; older notation c.223delG).
Protein change: p.Ala75fs; shifts the reading frame from alanine 75.
Molecular consequence: frameshift variant. On other transcripts: 5 prime UTR variant (3), non-coding transcript variant (6).
Genome position (GRCh38, 1-based): chr8:69,576,020, G deleted; the last of 7 consecutive G bases (chr8:69,576,014-69,576,020); deleting any one gives the same sequence. VCF-style (leftmost placement, unchanged base first): chr8-69576013-TG-T. GRCh37 (hg19) VCF-style: chr8-70488248-TG-T.
Other names: c.223del, p.Ala75fs (NM_001412836.1, NM_001412837.1, NM_001412838.1 and 18 more transcripts); c.37del, p.Ala13fs (NM_001412842.1, NM_001412841.1); c.223delG, p.Ala75Profs (NM_001412843.1); c.-304del (NM_001412844.1, NM_001412845.1); c.-1479del (NM_001412846.1); short protein forms A75fs, A13fs.
Identifiers: ClinVar variation 2872714 (VCV002872714.3), dbSNP rs747316268, ClinGen allele CA4775520.
Genomic context (GRCh38, chr8:69,576,013, plus strand): 5'-GGCACTGTGCCTTTCAGGGTCCCTGCAAGTCATGAACAAAACGAGAAAGATTATGGAACA[TG>T]GGGGGGCCACCTTCATCAATGCCTTTGTGACTACACCCATGTGCTGCCCGTCACGGTCCT-3'